The following is an entry in ClinVar:

ClinVar aggregate classification (germline): Uncertain significance. Review status: criteria provided, multiple submitters, no conflicts (2 of 4 stars). 2 submissions from 2 submitters: Uncertain significance (2). Last evaluated 2026-01-25.

Conditions:
Cardiovascular phenotype. Identifiers: MedGen CN230736.

Allele frequency attached by ClinVar (database versions not stated): TOPMed 0.00001.
gnomAD v4.1: 25 of 1,614,034 alleles (0.0015%); highest among the groups gnomAD compares: Non-Finnish European, 0.002%; no homozygotes.

Submissions (2):

Ambry Genetics
Classification: Uncertain significance for Cardiovascular phenotype. Last evaluated: 2026-01-25. Review status: criteria provided, single submitter. Criteria: Ambry Variant Classification Scheme 2023. Collection method: clinical testing. Allele origin: germline.
Comment: The p.R611T variant (also known as c.1832G>C), located in coding exon 12 of the ABCG8 gene, results from a G to C substitution at nucleotide position 1832. The arginine at codon 611 is replaced by threonine, an amino acid with similar properties. This amino acid position is conserved. In addition, this alteration is predicted to be tolerated by in silico analysis. Based on the available evidence, the clinical significance of this variant remains unclear.

Labcorp Genetics (formerly Invitae), Labcorp
Classification: Uncertain significance. Last evaluated: 2024-12-09. Review status: criteria provided, single submitter. Criteria: Invitae Variant Classification Sherloc (09022015). Collection method: clinical testing. Allele origin: germline.
Comment: This sequence change replaces arginine, which is basic and polar, with threonine, which is neutral and polar, at codon 611 of the ABCG8 protein (p.Arg611Thr). This variant is not present in population databases (gnomAD no frequency). This variant has not been reported in the literature in individuals affected with ABCG8-related conditions. ClinVar contains an entry for this variant (Variation ID: 1922793). Invitae Evidence Modeling of protein sequence and biophysical properties (such as structural, functional, and spatial information, amino acid conservation, physicochemical variation, residue mobility, and thermodynamic stability) indicates that this missense variant is not expected to disrupt ABCG8 protein function with a negative predictive value of 80%. In summary, the available evidence is currently insufficient to determine the role of this variant in disease. Therefore, it has been classified as a Variant of Uncertain Significance.

NM_022437.3(ABCG8):c.1832G>C (p.Arg611Thr)

Gene: ABCG8 (ATP binding cassette subfamily G member 8; plus strand). Cytogenetic location: 2p21.
Variant type: single nucleotide variant.
Coding change: c.1832G>C on transcript NM_022437.3 (MANE Select); coding-DNA position 1832, G replaced by C.
Protein change: p.Arg611Thr; replaces arginine 611 with threonine.
Molecular consequence: missense variant.
Genome position (GRCh38, 1-based): chr2:43,877,636, G>C. VCF-style: chr2-43877636-G-C. GRCh37 (hg19) VCF-style: chr2-44104775-G-C.
Other names: c.1832G>C (NM_022437.2); c.1829G>C, p.Arg610Thr (NM_001357321.2); short protein forms R610T, R611T.
Identifiers: ClinVar variation 1922793 (VCV001922793.6), dbSNP rs749407558, ClinGen allele CA46474244.